The following is an entry in ClinVar:

NM_001166108.2(PALLD):c.2372G>A (p.Gly791Glu)

Genes: CBR4 (carbonyl reductase 4; minus strand), PALLD (palladin, cytoskeletal associated protein; plus strand). Cytogenetic location: 4q32.3.
Variant type: single nucleotide variant.
Coding change: c.2372G>A on transcript NM_001166108.2 (MANE Select); coding-DNA position 2372, G replaced by A.
Protein change: p.Gly791Glu; replaces glycine 791 with glutamic acid.
Molecular consequence: missense variant.
Genome position (GRCh38, 1-based): chr4:168,898,614, G>A. VCF-style: chr4-168898614-G-A. GRCh37 (hg19) VCF-style: chr4-169819765-G-A.
Other names: c.1175G>A, p.Gly392Glu (NM_001166109.2); c.860G>A, p.Gly287Glu (NM_001166110.2); c.200G>A, p.Gly67Glu (NM_001367567.1, NM_001367569.1); c.251G>A, p.Gly84Glu (NM_001367568.1, NM_001367570.1); c.2321G>A, p.Gly774Glu (NM_016081.4); short protein forms G287E, G392E, G67E, G791E, G774E, G84E.
Identifiers: ClinVar variation 4564181 (VCV004564181.1).

ClinVar aggregate classification (germline): Uncertain significance (1 of 4 stars; one submission).

Submission:

Ambry Genetics
Classification: Uncertain significance. Last evaluated: 2025-11-15. Review status: criteria provided, single submitter. Criteria: Ambry Variant Classification Scheme 2023. Collection method: clinical testing. Allele origin: germline.
Comment: The p.G287E variant (also known as c.860G>A), located in coding exon 4 of the PALLD gene, results from a G to A substitution at nucleotide position 860. The glycine at codon 287 is replaced by glutamic acid, an amino acid with similar properties. This amino acid position is conserved. In addition, this alteration is predicted to be tolerated by in silico analysis. Based on the available evidence, the clinical significance of this variant remains unclear.